The following is an entry in ClinVar:

ClinVar aggregate classification (germline): Uncertain significance. Review status: criteria provided, multiple submitters, no conflicts (2 of 4 stars). 3 submissions from 3 submitters: Uncertain significance (3). Last evaluated 2025-08-09.

Conditions:
Inborn genetic diseases. Identifiers: MedGen C0950123, MeSH D030342.

Allele frequency attached by ClinVar (database versions not stated): gnomAD exomes below 0.00001 and 0.00001; TOPMed below 0.00001; ExAC 0.00001; gnomAD 0.00001.
gnomAD v4.1: 9 of 1,613,700 alleles (0.00056%); highest among the groups gnomAD compares: South Asian, 0.0011%; no homozygotes.

Submissions (3):

Ambry Genetics
Classification: Uncertain significance for Inborn genetic diseases. Last evaluated: 2025-08-09. Review status: criteria provided, single submitter. Criteria: Ambry Variant Classification Scheme 2023. Collection method: clinical testing. Allele origin: germline.

Labcorp Genetics (formerly Invitae), Labcorp
Classification: Uncertain significance. Last evaluated: 2022-02-04. Review status: criteria provided, single submitter. Criteria: Invitae Variant Classification Sherloc (09022015). Collection method: clinical testing. Allele origin: germline.
Comment: In summary, the available evidence is currently insufficient to determine the role of this variant in disease. Therefore, it has been classified as a Variant of Uncertain Significance. Algorithms developed to predict the effect of missense changes on protein structure and function are either unavailable or do not agree on the potential impact of this missense change (SIFT: "Deleterious"; PolyPhen-2: "Benign"; Align-GVGD: "Class C0"). ClinVar contains an entry for this variant (Variation ID: 964150). This variant has not been reported in the literature in individuals affected with AGBL5-related conditions. This variant is present in population databases (rs747172298, gnomAD 0.003%). This sequence change replaces arginine, which is basic and polar, with histidine, which is basic and polar, at codon 174 of the AGBL5 protein (p.Arg174His).

Blueprint Genetics
Classification: Uncertain significance. Last evaluated: 2021-04-22. Review status: criteria provided, single submitter. Criteria: ACMG Guidelines, 2015. Collection method: clinical testing. Allele origin: germline.

NM_021831.6(AGBL5):c.521G>A (p.Arg174His)

Gene: AGBL5 (AGBL carboxypeptidase 5; plus strand). Cytogenetic location: 2p23.3.
Variant type: single nucleotide variant.
Coding change: c.521G>A on transcript NM_021831.6 (MANE Select); coding-DNA position 521, G replaced by A.
Protein change: p.Arg174His; replaces arginine 174 with histidine.
Molecular consequence: missense variant. On other transcripts: non-coding transcript variant (2).
Genome position (GRCh38, 1-based): chr2:27,054,029, G>A. VCF-style: chr2-27054029-G-A. GRCh37 (hg19) VCF-style: chr2-27276897-G-A.
Other names: c.521G>A, p.Arg174His (NM_001035507.3); short protein forms R174H.
Identifiers: ClinVar variation 964150 (VCV000964150.10), dbSNP rs747172298, ClinGen allele CA1567652.